The following is an entry in ClinVar:

NM_001197104.2(KMT2A):c.1920A>G (p.Glu640=)

Gene: KMT2A (lysine methyltransferase 2A; plus strand). Cytogenetic location: 11q23.3.
Variant type: single nucleotide variant.
Coding change: c.1920A>G on transcript NM_001197104.2 (MANE Select); coding-DNA position 1920, A replaced by G.
Protein change: p.Glu640=; no amino-acid change (glutamic acid 640 retained).
Molecular consequence: synonymous variant.
Genome position (GRCh38, 1-based): chr11:118,473,079, A>G. VCF-style: chr11-118473079-A-G. GRCh37 (hg19) VCF-style: chr11-118343794-A-G.
Other names: c.1920A>G, p.Glu640= (NM_005933.4).
Identifiers: ClinVar variation 1618043 (VCV001618043.12), dbSNP rs781863312, ClinGen allele CA6303458.

ClinVar aggregate classification (germline): Likely benign. Review status: criteria provided, multiple submitters, no conflicts (2 of 4 stars). 2 submissions from 2 submitters: Likely benign (2). Last evaluated 2026-03-01.

Allele frequency attached by ClinVar (database versions not stated): ExAC 0.00001; gnomAD 0.00001; gnomAD exomes 0.00002; TOPMed 0.00002.
gnomAD v4.1: 36 of 1,614,054 alleles (0.0022%); highest among the groups gnomAD compares: Non-Finnish European, 0.0027%; no homozygotes.

Submissions (2):

CeGaT Center for Human Genetics Tuebingen
Classification: Likely benign. Last evaluated: 2026-03-01. Review status: criteria provided, single submitter. Criteria: CeGaT Center For Human Genetics Tuebingen Variant Classification Criteria Version 2. Collection method: clinical testing. Allele origin: germline. Affected: yes. Observed: 1 variant allele.
Comment: KMT2A: BP4, BS2

Labcorp Genetics (formerly Invitae), Labcorp
Classification: Likely benign. Last evaluated: 2025-08-25. Review status: criteria provided, single submitter. Criteria: Invitae Variant Classification Sherloc (09022015). Collection method: clinical testing. Allele origin: germline.